The following is an entry in ClinVar:

ClinVar aggregate classification (germline): Likely pathogenic (1 of 4 stars; one submission).

Conditions:
Angelman syndrome (AS). Also called: HAPPY PUPPET SYNDROME. Identifiers: Orphanet 72, MedGen C0162635, MONDO:0007113, OMIM 105830. Disease mechanism: loss of function. Inheritance: AS is caused by disruption of maternally imprinted UBE3A located within the 15q11.2-q13 Angelman syndrome/Prader-Willi syndrome (AS/PWS) region., imprinting disorder.

Submission:

Labcorp Genetics (formerly Invitae), Labcorp
Classification: Likely pathogenic for Angelman syndrome. Last evaluated: 2021-10-12. Review status: criteria provided, single submitter. Criteria: Invitae Variant Classification Sherloc (09022015). Collection method: clinical testing. Allele origin: germline.
Comment: In summary, the currently available evidence indicates that the variant is pathogenic, but additional data are needed to prove that conclusively. Therefore, this variant has been classified as Likely Pathogenic. Experimental studies and prediction algorithms are not available or were not evaluated, and the functional significance of this variant is currently unknown. This variant has been observed in individual(s) with clinical features of UBE3A-related conditions (Invitae). In at least one individual the variant was observed to be de novo. This variant is not present in population databases (gnomAD no frequency). This variant, c.2205_2207dup, results in the insertion of 1 amino acid(s) of the UBE3A protein (p.Ile736dup), but otherwise preserves the integrity of the reading frame.

NM_130839.5(UBE3A):c.2265_2267dup (p.Ile756dup)

Genes: SNHG14 (small nucleolar RNA host gene 14; plus strand), UBE3A (ubiquitin protein ligase E3A; minus strand). Cytogenetic location: 15q11.2.
Variant type: Duplication.
Coding change: c.2265_2267dup on transcript NM_130839.5 (MANE Select); coding-DNA positions 2265 to 2267, 3 bases duplicated (TAT; older notation c.2265_2267dupTAT).
Protein change: p.Ile756dup; duplicates isoleucine 756.
Molecular consequence: inframe insertion. On other transcripts: non-coding transcript variant (1), intron variant (3).
Genome position (GRCh38, 1-based): chr15:25,354,541-25,354,543, ATA duplicated on the plus strand (TAT on the coding strand, the reverse complement: UBE3A is on the minus strand); duplicating any 3 consecutive bases within chr15:25,354,541-25,354,544 gives the same sequence; the c. name uses the placement nearest the transcript's 3' end. VCF-style (leftmost placement, unchanged base first): chr15-25354540-T-TATA. GRCh37 (hg19) VCF-style: chr15-25599687-T-TATA.
Other names: c.2205_2207dup, p.Ile736dup (NM_001354543.2, NM_001354544.2, NM_001374461.1 and 14 more transcripts); c.2088_2090dup, p.Ile697dup (NM_001354546.2); c.2040_2042dup, p.Ile681dup (NM_001354549.2); c.1014_1016dup, p.Ile339dup (NM_001354550.2); c.954_956dup, p.Ile319dup (NM_001354551.2); c.2274_2276dup, p.Ile759dup (NM_000462.5); c.2265_2267dup, p.Ile756dup (NM_001354505.1, NM_001354538.2); c.2065-117_2065-115dup (NM_001354548.2, NM_001354547.2); and 1 more.
Identifiers: ClinVar variation 1481700 (VCV001481700.6), dbSNP rs2152683847, ClinGen allele CA2573150588.